The following is an entry in ClinVar:

ClinVar aggregate classification (germline): Benign/Likely benign. Review status: criteria provided, multiple submitters, no conflicts (2 of 4 stars). 3 submissions from 3 submitters: Benign (1); Likely benign (2). Last evaluated 2025-10-14.

Conditions:
Hereditary cancer-predisposing syndrome. Also called: Hereditary Cancer Syndrome; Neoplastic Syndromes, Hereditary; Tumor predisposition; Hereditary neoplastic syndrome. Identifiers: Orphanet 140162, MedGen C0027672, MeSH D009386, MONDO:0015356.
Ataxia-telangiectasia syndrome (AT). Also called: Ataxia telangiectasia (A-T); Ataxia-telangiectasia, complementation group E; LOUIS-BAR SYNDROME; Cerebello-oculocutaneous telangiectasia; Immunodeficiency with ataxia telangiectasia; Ataxia-telangiectasia, complementation group D. Identifiers: Orphanet 100, MedGen C0004135, MONDO:0008840, OMIM 208900.
Familial cancer of breast. Also called: Hereditary breast cancer; hereditary breast carcinoma; BREAST CANCER, FAMILIAL. Identifiers: Orphanet 227535, MedGen C0346153, MONDO:0016419, OMIM 114480. Disease mechanism: loss of function.

Allele frequency attached by ClinVar (database versions not stated): gnomAD exomes below 0.00001; gnomAD 0.00001; TOPMed 0.00004; ESP Exome Variant Server 0.00008.
gnomAD v4.1: 6 of 1,613,726 alleles (0.00037%); highest among the groups gnomAD compares: Non-Finnish European, 0.00051%; no homozygotes.

Submissions (3):

Labcorp Genetics (formerly Invitae), Labcorp
Classification: Likely benign for Ataxia-telangiectasia syndrome. Last evaluated: 2025-10-14. Review status: criteria provided, single submitter. Criteria: Invitae Variant Classification Sherloc (09022015). Collection method: clinical testing. Allele origin: germline.

Myriad Genetics, Inc.
Classification: Benign for Familial cancer of breast. Last evaluated: 2024-05-01. Review status: criteria provided, single submitter. Criteria: Myriad Autosomal Dominant, Autosomal Recessive and X-Linked Classification Criteria (2023). Collection method: clinical testing. Allele origin: unknown.
Comment: This variant is considered benign. This variant is a silent/synonymous amino acid change and it is not expected to impact splicing.

Ambry Genetics
Classification: Likely benign for Hereditary cancer-predisposing syndrome. Last evaluated: 2015-03-13. Review status: criteria provided, single submitter. Criteria: Ambry Variant Classification Scheme 2023. Collection method: clinical testing. Allele origin: germline.

NM_000051.4(ATM):c.1722A>G (p.Glu574=)

Gene: ATM (ATM serine/threonine kinase; plus strand). Cytogenetic location: 11q22.3.
Variant type: single nucleotide variant.
Coding change: c.1722A>G on transcript NM_000051.4 (MANE Select); coding-DNA position 1722, A replaced by G.
Protein change: p.Glu574=; no amino-acid change (glutamic acid 574 retained).
Molecular consequence: synonymous variant.
Genome position (GRCh38, 1-based): chr11:108,251,951, A>G. VCF-style: chr11-108251951-A-G. GRCh37 (hg19) VCF-style: chr11-108122678-A-G.
Other names: c.1722A>G, p.Glu574= (NM_001351834.2).
Identifiers: ClinVar variation 230939 (VCV000230939.17), dbSNP rs372334891, ClinGen allele CA10579022.